The following is an entry in ClinVar:

NM_000057.4(BLM):c.1291A>G (p.Arg431Gly)

Gene: BLM (BLM RecQ like helicase; plus strand). Cytogenetic location: 15q26.1.
Variant type: single nucleotide variant.
Coding change: c.1291A>G on transcript NM_000057.4 (MANE Select); coding-DNA position 1291, A replaced by G.
Protein change: p.Arg431Gly; replaces arginine 431 with glycine.
Molecular consequence: missense variant.
Genome position (GRCh38, 1-based): chr15:90,760,664, A>G. VCF-style: chr15-90760664-A-G. GRCh37 (hg19) VCF-style: chr15-91303894-A-G.
Other names: c.1291A>G, p.Arg431Gly (NM_001287246.2, NM_001287247.2); c.166A>G, p.Arg56Gly (NM_001287248.2); short protein forms R431G, R56G.
Identifiers: ClinVar variation 2561118 (VCV002561118.2), dbSNP rs2151157888, ClinGen allele CA393842742.

ClinVar aggregate classification (germline): Uncertain significance (1 of 4 stars; one submission).

Conditions:
Hereditary cancer-predisposing syndrome. Also called: Neoplastic Syndromes, Hereditary; Hereditary Cancer Syndrome; Hereditary neoplastic syndrome; Tumor predisposition. Identifiers: Orphanet 140162, MedGen C0027672, MeSH D009386, MONDO:0015356.

Submission:

Ambry Genetics
Classification: Uncertain significance for Hereditary cancer-predisposing syndrome. Last evaluated: 2023-03-18. Review status: criteria provided, single submitter. Criteria: Ambry Variant Classification Scheme 2023. Collection method: clinical testing. Allele origin: germline.
Comment: The p.R431G variant (also known as c.1291A>G), located in coding exon 6 of the BLM gene, results from an A to G substitution at nucleotide position 1291. The arginine at codon 431 is replaced by glycine, an amino acid with dissimilar properties. This amino acid position is conserved. In addition, this alteration is predicted to be tolerated by in silico analysis. Since supporting evidence is limited at this time, the clinical significance of this alteration remains unclear.